The following is an entry in ClinVar:

ClinVar aggregate classification (germline): Benign/Likely benign. Review status: criteria provided, multiple submitters, no conflicts (2 of 4 stars). 8 submissions from 4 submitters: Benign (1); Likely benign (7). Last evaluated 2025-04-14.

Conditions:
FGFR2-related craniosynostosis. Identifiers: MedGen CN231480.
Saethre-Chotzen syndrome (SCS). Also called: ACROCEPHALY, SKULL ASYMMETRY, AND MILD SYNDACTYLY; ACS III; CHOTZEN SYNDROME. Identifiers: Orphanet 794, MedGen C0175699, MONDO:0007042, OMIM 101400.
Craniosynostosis syndrome. Also called: Craniosynostosis. Identifiers: Orphanet 1531, MedGen C0010278, MeSH D003398, MONDO:0015469, HP:0001363.
Beare-Stevenson cutis gyrata syndrome (BSTVS). Identifiers: Orphanet 1555, MedGen C1852406, MONDO:0007412, OMIM 123790.
Crouzon syndrome. Also called: CRANIOFACIAL DYSOSTOSIS, TYPE I; Craniofacial dysostosis; Craniofacial dysostosis type 1; Crouzon craniofacial dysostosis; Crouzon disease. Identifiers: Orphanet 207, MedGen C0010273, MeSH D003394, MONDO:0007405, OMIM 123500, HP:0004439.
Isolated Coronal Synostosis. Identifiers: MedGen CN043619.

Allele frequency attached by ClinVar (database versions not stated): gnomAD 0.00004 and 0.00009; TOPMed 0.00005; gnomAD exomes 0.00014 and 0.00025; 1000 Genomes Project 30x 0.00031; ExAC 0.00034; 1000 Genomes Project 0.00040.
gnomAD v4.1: 223 of 1,614,106 alleles (0.014%); highest among the groups gnomAD compares: South Asian, 0.19%; 2 homozygotes.

Submissions (8):

Labcorp Genetics (formerly Invitae), Labcorp
Classification: Benign for FGFR2-related craniosynostosis. Last evaluated: 2025-04-14. Review status: criteria provided, single submitter. Criteria: Invitae Variant Classification Sherloc (09022015). Collection method: clinical testing. Allele origin: germline.

Blueprint Genetics
Classification: Likely benign. Last evaluated: 2023-07-04. Review status: criteria provided, single submitter. Criteria: ACMG Guidelines, 2015. Collection method: clinical testing. Allele origin: germline.

GeneDx
Classification: Likely benign. Last evaluated: 2019-03-15. Review status: criteria provided, single submitter. Criteria: GeneDx Variant Classification Process June 2021. Collection method: clinical testing. Allele origin: germline. Affected: yes.

Illumina Laboratory Services, Illumina
Classification: Likely benign for Craniosynostosis. Last evaluated: 2017-04-27. Review status: criteria provided, single submitter. Criteria: ICSL Variant Classification Criteria 13 December 2019. Collection method: clinical testing. Allele origin: germline.
Comment: This variant was observed as part of a predisposition screen in an ostensibly healthy population. A literature search was performed for the gene, cDNA change, and amino acid change (where applicable). No publications were found based on this search. Allele frequency data from public databases allowed determination this variant is unlikely to cause disease. Therefore, this variant is classified as likely benign.

Illumina Laboratory Services, Illumina
Classification: Likely benign for Isolated coronal synostosis. Last evaluated: 2017-04-27. Review status: criteria provided, single submitter. Criteria: ICSL Variant Classification Criteria 13 December 2019. Collection method: clinical testing. Allele origin: germline.
Comment: the same text as in the submission from Illumina Laboratory Services, Illumina above.

Illumina Laboratory Services, Illumina
Classification: Likely benign for Beare-Stevenson cutis gyrata syndrome. Last evaluated: 2017-04-27. Review status: criteria provided, single submitter. Criteria: ICSL Variant Classification Criteria 13 December 2019. Collection method: clinical testing. Allele origin: germline.
Comment: the same text as in the submission from Illumina Laboratory Services, Illumina above.

Illumina Laboratory Services, Illumina
Classification: Likely benign for Saethre-Chotzen syndrome. Last evaluated: 2017-04-27. Review status: criteria provided, single submitter. Criteria: ICSL Variant Classification Criteria 13 December 2019. Collection method: clinical testing. Allele origin: germline.
Comment: the same text as in the submission from Illumina Laboratory Services, Illumina above.

Illumina Laboratory Services, Illumina
Classification: Likely benign for Crouzon syndrome. Last evaluated: 2017-04-27. Review status: criteria provided, single submitter. Criteria: ICSL Variant Classification Criteria 13 December 2019. Collection method: clinical testing. Allele origin: germline.
Comment: the same text as in the submission from Illumina Laboratory Services, Illumina above.

NM_000141.5(FGFR2):c.2415C>T (p.Tyr805=)

Gene: FGFR2 (fibroblast growth factor receptor 2; minus strand). Cytogenetic location: 10q26.13.
Variant type: single nucleotide variant.
Coding change: c.2415C>T on transcript NM_000141.5 (MANE Select); coding-DNA position 2415, C replaced by T.
Protein change: p.Tyr805=; no amino-acid change (tyrosine 805 retained).
Molecular consequence: synonymous variant. On other transcripts: non-coding transcript variant (1), intron variant (1).
Genome position (GRCh38, 1-based): chr10:121,479,908, G>A on the plus strand (C>T on the coding strand, the complement: FGFR2 is on the minus strand). VCF-style: chr10-121479908-G-A. GRCh37 (hg19) VCF-style: chr10-123239422-G-A.
Other names: c.2079C>T, p.Tyr693= (NM_001144914.1); c.2070C>T, p.Tyr690= (NM_001144916.2); c.2067C>T, p.Tyr689= (NM_001144917.2); c.2064C>T, p.Tyr688= (NM_001144918.2); c.1731C>T, p.Tyr577= (NM_001320654.2); c.2409C>T, p.Tyr803= (NM_001320658.2); c.2418C>T, p.Tyr806= (NM_022970.4); c.2148C>T, p.Tyr716= (NM_023029.3); and 1 more.
Identifiers: ClinVar variation 298996 (VCV000298996.19), dbSNP rs558460047, ClinGen allele CA5720451.